The following is an entry in ClinVar:

NM_207122.2(EXT2):c.2050T>C (p.Phe684Leu)

Gene: EXT2 (exostosin glycosyltransferase 2; plus strand). Cytogenetic location: 11p11.2.
Variant type: single nucleotide variant.
Coding change: c.2050T>C on transcript NM_207122.2 (MANE Select); coding-DNA position 2050, T replaced by C.
Protein change: p.Phe684Leu; replaces phenylalanine 684 with leucine.
Molecular consequence: missense variant.
Genome position (GRCh38, 1-based): chr11:44,244,180, T>C. VCF-style: chr11-44244180-T-C. GRCh37 (hg19) VCF-style: chr11-44265730-T-C.
Other names: c.2149T>C, p.Phe717Leu (NM_000401.3); c.2080T>C, p.Phe694Leu (NM_001178083.3); short protein forms F684L, F694L, F717L.
Identifiers: ClinVar variation 1016747 (VCV001016747.9), dbSNP rs1956070950, ClinGen allele CA380178509.

ClinVar aggregate classification (germline): Uncertain significance (1 of 4 stars; one submission).

Conditions:
Exostoses, multiple, type 2 (EXT2). Also called: Hereditary Multiple Osteochondromatosis, Type II; EXOSTOSES, MULTIPLE, TYPE II. Identifiers: Orphanet 321, MedGen C1851413, MONDO:0007586, OMIM 133701.

Submission:

Labcorp Genetics (formerly Invitae), Labcorp
Classification: Uncertain significance for Exostoses, multiple, type 2. Last evaluated: 2020-03-04. Review status: criteria provided, single submitter. Criteria: Invitae Variant Classification Sherloc (09022015). Collection method: clinical testing. Allele origin: germline.
Comment: This variant has not been reported in the literature in individuals with EXT2-related conditions. This variant is not present in population databases (ExAC no frequency). This sequence change replaces phenylalanine with leucine at codon 684 of the EXT2 protein (p.Phe684Leu). The phenylalanine residue is highly conserved and there is a small physicochemical difference between phenylalanine and leucine. In summary, the available evidence is currently insufficient to determine the role of this variant in disease. Therefore, it has been classified as a Variant of Uncertain Significance. Algorithms developed to predict the effect of missense changes on protein structure and function are either unavailable or do not agree on the potential impact of this missense change (SIFT: "Deleterious"; PolyPhen-2: "Benign"; Align-GVGD: "Class C0").